The following is an entry in ClinVar:

NM_020812.4(DOCK6):c.5100C>G (p.Tyr1700Ter)

Genes: DOCK6 (dedicator of cytokinesis 6; minus strand), DOCK6-AS1 (DOCK6 antisense RNA 1; plus strand). Cytogenetic location: 19p13.2.
Variant type: single nucleotide variant.
Coding change: c.5100C>G on transcript NM_020812.4 (MANE Select); coding-DNA position 5100, C replaced by G.
Protein change: p.Tyr1700Ter; replaces tyrosine 1700 with a stop codon.
Molecular consequence: nonsense.
Genome position (GRCh38, 1-based): chr19:11,204,320, G>C on the plus strand (C>G on the coding strand, the complement: DOCK6 is on the minus strand). VCF-style: chr19-11204320-G-C. GRCh37 (hg19) VCF-style: chr19-11314996-G-C.
Other names: c.5205C>G, p.Tyr1735Ter (NM_001367830.1); short protein forms Y1700*, Y1735*.
Identifiers: ClinVar variation 1319693 (VCV001319693.6), dbSNP rs768245540, ClinGen allele CA9206621.

ClinVar aggregate classification (germline): Pathogenic. Review status: criteria provided, multiple submitters, no conflicts (2 of 4 stars). 2 submissions from 2 submitters: Pathogenic (2). Last evaluated 2023-09-11.

Allele frequency attached by ClinVar (database versions not stated): TOPMed 0.00002; gnomAD exomes 0.00003; ExAC 0.00004.
gnomAD v4.1: 24 of 1,611,908 alleles (0.0015%); highest among the groups gnomAD compares: Non-Finnish European, 0.00042%; no homozygotes.

Submissions (2):

Labcorp Genetics (formerly Invitae), Labcorp
Classification: Pathogenic. Last evaluated: 2023-09-11. Review status: criteria provided, single submitter. Criteria: Invitae Variant Classification Sherloc (09022015). Collection method: clinical testing. Allele origin: germline.
Comment: This sequence change creates a premature translational stop signal (p.Tyr1700*) in the DOCK6 gene. It is expected to result in an absent or disrupted protein product. Loss-of-function variants in DOCK6 are known to be pathogenic (PMID: 21820096, 25824905). This variant is present in population databases (rs768245540, gnomAD 0.08%). This variant has not been reported in the literature in individuals affected with DOCK6-related conditions. ClinVar contains an entry for this variant (Variation ID: 1319693). Algorithms developed to predict the effect of sequence changes on RNA splicing suggest that this variant may create or strengthen a splice site. For these reasons, this variant has been classified as Pathogenic.

Institute for Clinical Genetics, University Hospital TU Dresden, University Hospital TU Dresden
Classification: Pathogenic. Last evaluated: 2021-11-03. Review status: criteria provided, single submitter. Criteria: ACMG Guidelines, 2015. Collection method: clinical testing. Allele origin: germline.

Literature cited by the submitters: PubMed 21820096 (cited by Labcorp Genetics (formerly Invitae), Labcorp); PubMed 25824905 (cited by Labcorp Genetics (formerly Invitae), Labcorp).